The following is an entry in ClinVar:

NM_020750.3(XPO5):c.2342+3G>A

Genes: POLR1C (RNA polymerase I and III subunit C; plus strand), XPO5 (exportin 5; minus strand). Cytogenetic location: 6p21.1.
Variant type: single nucleotide variant.
Coding change: c.2342+3G>A on transcript NM_020750.3 (MANE Select); 3 bases into the intron after coding-DNA position 2342, G replaced by A.
Molecular consequence: intron variant.
Genome position (GRCh38, 1-based): chr6:43,546,568, C>T on the plus strand (G>A on the coding strand, the complement: XPO5 is on the minus strand). VCF-style: chr6-43546568-C-T. GRCh37 (hg19) VCF-style: chr6-43514305-C-T.
Other names: c.923-4400C>T (NM_001363658.2).
Identifiers: ClinVar variation 2031685 (VCV002031685.4), dbSNP rs2483057582, ClinGen allele CA2578628017.

ClinVar aggregate classification (germline): Uncertain significance (1 of 4 stars; one submission).

Allele frequency attached by ClinVar (database versions not stated): gnomAD exomes below 0.00001.
gnomAD v4.1: 2 of 1,599,692 alleles (0.00013%); highest among the groups gnomAD compares: Non-Finnish European, 0.00017%; no homozygotes.

Submission:

Labcorp Genetics (formerly Invitae), Labcorp
Classification: Uncertain significance. Last evaluated: 2022-10-17. Review status: criteria provided, single submitter. Criteria: Invitae Variant Classification Sherloc (09022015). Collection method: clinical testing. Allele origin: germline.
Comment: In summary, the available evidence is currently insufficient to determine the role of this variant in disease. Therefore, it has been classified as a Variant of Uncertain Significance. Variants that disrupt the consensus splice site are a relatively common cause of aberrant splicing (PMID: 17576681, 9536098). Algorithms developed to predict the effect of sequence changes on RNA splicing suggest that this variant is not likely to affect RNA splicing. This variant has not been reported in the literature in individuals affected with XPO5-related conditions. This variant is not present in population databases (gnomAD no frequency). This sequence change falls in intron 20 of the XPO5 gene. It does not directly change the encoded amino acid sequence of the XPO5 protein. It affects a nucleotide within the consensus splice site.

Literature cited by the submitters: PubMed 17576681; PubMed 9536098.